The following is an entry in ClinVar:

ClinVar aggregate classification (germline): Uncertain significance (1 of 4 stars; one submission).

Conditions:
KBG syndrome (KBGS). Also called: ANKRD11-Related KBG Syndrome. Identifiers: Orphanet 2332, MedGen C0220687, MONDO:0007846, OMIM 148050.

gnomAD v4.1: 1 of 1,608,706 alleles (0.000062%); highest among the groups gnomAD compares: African/African-American, 0.0013%; no homozygotes.

Submission:

Labcorp Genetics (formerly Invitae), Labcorp
Classification: Uncertain significance for KBG syndrome. Last evaluated: 2022-04-23. Review status: criteria provided, single submitter. Criteria: Invitae Variant Classification Sherloc (09022015). Collection method: clinical testing. Allele origin: germline.
Comment: This variant is not present in population databases (gnomAD no frequency). This sequence change replaces valine, which is neutral and non-polar, with methionine, which is neutral and non-polar, at codon 2118 of the ANKRD11 protein (p.Val2118Met). This variant has not been reported in the literature in individuals affected with ANKRD11-related conditions. In summary, the available evidence is currently insufficient to determine the role of this variant in disease. Therefore, it has been classified as a Variant of Uncertain Significance. Advanced modeling of protein sequence and biophysical properties (such as structural, functional, and spatial information, amino acid conservation, physicochemical variation, residue mobility, and thermodynamic stability) performed at Invitae indicates that this missense variant is not expected to disrupt ANKRD11 protein function.

NM_013275.6(ANKRD11):c.6352G>A (p.Val2118Met)

Gene: ANKRD11 (ankyrin repeat domain 11; minus strand). Cytogenetic location: 16q24.3.
Variant type: single nucleotide variant.
Coding change: c.6352G>A on transcript NM_013275.6 (MANE Select); coding-DNA position 6352, G replaced by A.
Protein change: p.Val2118Met; replaces valine 2118 with methionine.
Molecular consequence: missense variant.
Genome position (GRCh38, 1-based): chr16:89,280,190, C>T on the plus strand (G>A on the coding strand, the complement: ANKRD11 is on the minus strand). VCF-style: chr16-89280190-C-T. GRCh37 (hg19) VCF-style: chr16-89346598-C-T.
Other names: c.6352G>A, p.Val2118Met (NM_001256182.2, NM_001256183.2); short protein forms V2118M.
Identifiers: ClinVar variation 1975019 (VCV001975019.5), dbSNP rs1250431677, ClinGen allele CA397151320.
Genomic context (GRCh38, chr16:89,280,190, plus strand): 5'-GGGAGAAGGGCCCCAGGTCCAGGTCGTCCTCGGGGCCGGCGAAGGCGTCCGCCCAGGGCA[C>T]CGGCTCCACCTGGCCGAGGTGAGACAGGCCGCGGCTGCCGTCCAGGAAGCTATTTTCCAG-3'
Protein context (NP_037407.4, residues 2108-2128): GLSHLGQVEP[Val2118Met]PWADAFAGPE